The following is an entry in ClinVar:

ClinVar aggregate classification (germline): Uncertain significance. Review status: criteria provided, multiple submitters, no conflicts (2 of 4 stars). 2 submissions from 2 submitters: Uncertain significance (2). Last evaluated 2025-08-11.

Conditions:
Hereditary cancer-predisposing syndrome. Also called: Neoplastic Syndromes, Hereditary; Tumor predisposition; Hereditary Cancer Syndrome; Hereditary neoplastic syndrome. Identifiers: Orphanet 140162, MedGen C0027672, MeSH D009386, MONDO:0015356.
Parathyroid carcinoma (PRTC). Also called: CDC73-Related Parathyroid Carcinoma; Parathyroid gland carcinoma. Identifiers: Orphanet 143, MedGen C0687150, MONDO:0012004, OMIM 608266, HP:0006780.

Submissions (2):

Labcorp Genetics (formerly Invitae), Labcorp
Classification: Uncertain significance for Parathyroid carcinoma. Last evaluated: 2025-08-11. Review status: criteria provided, single submitter. Criteria: Invitae Variant Classification Sherloc (09022015). Collection method: clinical testing. Allele origin: germline.
Comment: This sequence change replaces threonine, which is neutral and polar, with alanine, which is neutral and non-polar, at codon 334 of the CDC73 protein (p.Thr334Ala). This variant is not present in population databases (gnomAD no frequency). This variant has not been reported in the literature in individuals affected with CDC73-related conditions. ClinVar contains an entry for this variant (Variation ID: 1733945). Invitae Evidence Modeling of protein sequence and biophysical properties (such as structural, functional, and spatial information, amino acid conservation, physicochemical variation, residue mobility, and thermodynamic stability) indicates that this missense variant is not expected to disrupt CDC73 protein function with a negative predictive value of 80%. In summary, the available evidence is currently insufficient to determine the role of this variant in disease. Therefore, it has been classified as a Variant of Uncertain Significance.

Ambry Genetics
Classification: Uncertain significance for Hereditary cancer-predisposing syndrome. Last evaluated: 2020-09-10. Review status: criteria provided, single submitter. Criteria: Ambry Variant Classification Scheme 2023. Collection method: clinical testing. Allele origin: germline.
Comment: The p.T334A variant (also known as c.1000A>G), located in coding exon 11 of the CDC73 gene, results from an A to G substitution at nucleotide position 1000. The threonine at codon 334 is replaced by alanine, an amino acid with similar properties. This amino acid position is highly conserved in available vertebrate species. In addition, this alteration is predicted to be tolerated by in silico analysis. Since supporting evidence is limited at this time, the clinical significance of this alteration remains unclear.

NM_024529.5(CDC73):c.1000A>G (p.Thr334Ala)

Gene: CDC73 (cell division cycle 73; plus strand). Cytogenetic location: 1q31.2.
Variant type: single nucleotide variant.
Coding change: c.1000A>G on transcript NM_024529.5 (MANE Select); coding-DNA position 1000, A replaced by G.
Protein change: p.Thr334Ala; replaces threonine 334 with alanine.
Molecular consequence: missense variant.
Genome position (GRCh38, 1-based): chr1:193,203,822, A>G. VCF-style: chr1-193203822-A-G. GRCh37 (hg19) VCF-style: chr1-193172952-A-G.
Other names: short protein forms T334A.
Identifiers: ClinVar variation 1733945 (VCV001733945.4), dbSNP rs1572196426, ClinGen allele CA344076134.